The following is an entry in ClinVar:

ClinVar aggregate classification (germline): Uncertain significance (1 of 4 stars; one submission).

Allele frequency attached by ClinVar (database versions not stated): gnomAD exomes below 0.00001; ExAC 0.00001; gnomAD 0.00001.
gnomAD v4.1: 2 of 1,612,864 alleles (0.00012%); highest among the groups gnomAD compares: Non-Finnish European, 0.00017%; no homozygotes.

Submission:

Labcorp Genetics (formerly Invitae), Labcorp
Classification: Uncertain significance. Last evaluated: 2023-11-14. Review status: criteria provided, single submitter. Criteria: Invitae Variant Classification Sherloc (09022015). Collection method: clinical testing. Allele origin: germline.
Comment: This sequence change replaces alanine, which is neutral and non-polar, with threonine, which is neutral and polar, at codon 437 of the PRPF8 protein (p.Ala437Thr). This variant is present in population databases (rs769141680, gnomAD 0.0009%). This variant has not been reported in the literature in individuals affected with PRPF8-related conditions. Advanced modeling of protein sequence and biophysical properties (such as structural, functional, and spatial information, amino acid conservation, physicochemical variation, residue mobility, and thermodynamic stability) performed at Invitae indicates that this missense variant is not expected to disrupt PRPF8 protein function with a negative predictive value of 80%. In summary, the available evidence is currently insufficient to determine the role of this variant in disease. Therefore, it has been classified as a Variant of Uncertain Significance.

NM_006445.4(PRPF8):c.1309G>A (p.Ala437Thr)

Gene: PRPF8 (pre-mRNA processing factor 8; minus strand). Cytogenetic location: 17p13.3.
Variant type: single nucleotide variant.
Coding change: c.1309G>A on transcript NM_006445.4 (MANE Select); coding-DNA position 1309, G replaced by A.
Protein change: p.Ala437Thr; replaces alanine 437 with threonine.
Molecular consequence: missense variant.
Genome position (GRCh38, 1-based): chr17:1,679,391, C>T on the plus strand (G>A on the coding strand, the complement: PRPF8 is on the minus strand). VCF-style: chr17-1679391-C-T. GRCh37 (hg19) VCF-style: chr17-1582685-C-T.
Other names: short protein forms A437T.
Identifiers: ClinVar variation 2807299 (VCV002807299.3), dbSNP rs769141680, ClinGen allele CA8272370.